The following is an entry in ClinVar:

ClinVar aggregate classification (germline): Uncertain significance. Review status: criteria provided, multiple submitters, no conflicts (2 of 4 stars). 5 submissions from 5 submitters: Uncertain significance (5). Last evaluated 2025-06-11.

Conditions:
Cardiovascular phenotype. Identifiers: MedGen CN230736.
Cardiac arrhythmia. Also called: Arrhythmia; Cardiac rhythm disease. Identifiers: MedGen C0003811, MONDO:0007263, HP:0011675.
Long QT syndrome 2 (LQT2). Identifiers: Orphanet 101016, Orphanet 768, MedGen C3150943, MONDO:0013367, OMIM 613688.
Short QT syndrome type 1. Identifiers: Orphanet 51083, MedGen C1865020, MONDO:0012312, OMIM 609620.
Long QT syndrome (LQTS). Identifiers: MedGen C0023976, MeSH D008133, MONDO:0002442. Disease mechanism: loss of function. Inheritance: Various modes of inheritance.

Allele frequency attached by ClinVar (database versions not stated): TOPMed 0.00002.
gnomAD v4.1: 23 of 1,542,334 alleles (0.0015%); highest among the groups gnomAD compares: African/African-American, 0.0068%; no homozygotes.

Submissions (5):

Labcorp Genetics (formerly Invitae), Labcorp
Classification: Uncertain significance for Long QT syndrome. Last evaluated: 2025-06-11. Review status: criteria provided, single submitter. Criteria: Invitae Variant Classification Sherloc (09022015). Collection method: clinical testing. Allele origin: germline.
Comment: This sequence change replaces arginine, which is basic and polar, with histidine, which is basic and polar, at codon 1047 of the KCNH2 protein (p.Arg1047His). The frequency data for this variant in the population databases is considered unreliable, as metrics indicate poor data quality at this position in the gnomAD database. This missense change has been observed in individual(s) with cardiac arrhythmia (PMID: 36861347). ClinVar contains an entry for this variant (Variation ID: 628410). An algorithm developed to predict the effect of missense changes on protein structure and function (PolyPhen-2) suggests that this variant is likely to be disruptive. In summary, the available evidence is currently insufficient to determine the role of this variant in disease. Therefore, it has been classified as a Variant of Uncertain Significance.

All of Us Research Program, National Institutes of Health
Classification: Uncertain significance for Long QT syndrome. Last evaluated: 2023-12-13. Review status: criteria provided, single submitter. Criteria: ACMG Guidelines, 2015. Collection method: clinical testing. Allele origin: germline. Inheritance: Autosomal dominant inheritance. Observed: 3 variant alleles, 3 heterozygotes.
Comment: This missense variant replaces arginine with histidine at codon 1047 of the KCNH2 protein. Computational prediction is inconclusive regarding the impact of this variant on protein structure and function (internally defined REVEL score threshold 0.5 < inconclusive < 0.7, PMID: 27666373). Splice site prediction tools suggest that this variant may not impact RNA splicing. To our knowledge, functional studies have not been performed for this variant. This variant has not been reported in individuals affected with cardiovascular disorders in the literature. This variant has been identified in 4/172864 chromosomes in the general population by the Genome Aggregation Database (gnomAD). The available evidence is insufficient to determine the role of this variant in disease conclusively. Therefore, this variant is classified as a Variant of Uncertain Significance.

This study involves interpretation of variants in research participants for the purpose of population health screening. Participant phenotype was not available at the time of variant classification. Additional details can be found in publication PMID: 35346344, PMCID: PMC8962531

Color Diagnostics, LLC DBA Color Health
Classification: Uncertain significance for Cardiac arrhythmia. Last evaluated: 2023-07-17. Review status: criteria provided, single submitter. Criteria: ACMG Guidelines, 2015. Collection method: clinical testing. Allele origin: germline.
Comment: This missense variant replaces arginine with histidine at codon 1047 of the KCNH2 protein. Computational prediction is inconclusive regarding the impact of this variant on protein structure and function (internally defined REVEL score threshold 0.5 < inconclusive < 0.7, PMID: 27666373). To our knowledge, functional studies have not been reported for this variant. This variant has not been reported in individuals affected with KCNH2-related disorders in the literature. This variant has been identified in 4/172864 chromosomes in the general population by the Genome Aggregation Database (gnomAD). The available evidence is insufficient to determine the role of this variant in disease conclusively. Therefore, this variant is classified as a Variant of Uncertain Significance.

Fulgent Genetics
Classification: Uncertain significance for Short QT syndrome type 1; Long QT syndrome 2. Last evaluated: 2021-08-09. Review status: criteria provided, single submitter. Criteria: ACMG Guidelines, 2015. Collection method: clinical testing. Allele origin: unknown.

Ambry Genetics
Classification: Uncertain significance for Cardiovascular phenotype. Last evaluated: 2021-01-13. Review status: criteria provided, single submitter. Criteria: Ambry Variant Classification Scheme 2023. Collection method: clinical testing. Allele origin: germline.
Comment: The p.R1047H variant (also known as c.3140G>A), located in coding exon 13 of the KCNH2 gene, results from a G to A substitution at nucleotide position 3140. The arginine at codon 1047 is replaced by histidine, an amino acid with highly similar properties, and is located in the cytoplasmic C-terminal region. This amino acid position is not well conserved in available vertebrate species. In addition, the in silico prediction for this alteration is inconclusive. Since supporting evidence is limited at this time, the clinical significance of this alteration remains unclear.

Literature cited by the submitters: PubMed 36861347 (cited by Labcorp Genetics (formerly Invitae), Labcorp).

NM_000238.4(KCNH2):c.3140G>A (p.Arg1047His)

Gene: KCNH2 (potassium voltage-gated channel subfamily H member 2; minus strand). Cytogenetic location: 7q36.1.
Variant type: single nucleotide variant.
Coding change: c.3140G>A on transcript NM_000238.4 (MANE Select); coding-DNA position 3140, G replaced by A.
Protein change: p.Arg1047His; replaces arginine 1047 with histidine.
Molecular consequence: missense variant.
Genome position (GRCh38, 1-based): chr7:150,947,340, C>T on the plus strand (G>A on the coding strand, the complement: KCNH2 is on the minus strand). VCF-style: chr7-150947340-C-T. GRCh37 (hg19) VCF-style: chr7-150644428-C-T.
Other names: c.2120G>A, p.Arg707His (NM_172057.3); short protein forms R1047H, R707H.
Identifiers: ClinVar variation 628410 (VCV000628410.57), dbSNP rs36210421, ClinGen allele CA369852511.